The following is an entry in ClinVar:

ClinVar aggregate classification (germline): Uncertain significance (1 of 4 stars; one submission).

Submission:

GeneDx
Classification: Uncertain significance. Last evaluated: 2024-05-02. Review status: criteria provided, single submitter. Criteria: GeneDx Variant Classification Process June 2021. Collection method: clinical testing. Allele origin: germline. Affected: yes.
Comment: Not observed at significant frequency in large population cohorts (gnomAD); In silico analysis supports that this missense variant has a deleterious effect on protein structure/function; Has not been previously published as pathogenic or benign to our knowledge

NM_004958.4(MTOR):c.6359C>G (p.Ser2120Cys)

Gene: MTOR (mechanistic target of rapamycin kinase; minus strand). Cytogenetic location: 1p36.22.
Variant type: single nucleotide variant.
Coding change: c.6359C>G on transcript NM_004958.4 (MANE Select); coding-DNA position 6359, C replaced by G.
Protein change: p.Ser2120Cys; replaces serine 2120 with cysteine.
Molecular consequence: missense variant.
Genome position (GRCh38, 1-based): chr1:11,126,789, G>C on the plus strand (C>G on the coding strand, the complement: MTOR is on the minus strand). VCF-style: chr1-11126789-G-C. GRCh37 (hg19) VCF-style: chr1-11186846-G-C.
Other names: c.6359C>G, p.Ser2120Cys (NM_001386500.1); c.5111C>G, p.Ser1704Cys (NM_001386501.1); short protein forms S1704C, S2120C.
Identifiers: ClinVar variation 3375982 (VCV003375982.1).